The following is an entry in ClinVar:

NM_005633.4(SOS1):c.651G>T (p.Arg217Ser)

Gene: SOS1 (SOS Ras/Rac guanine nucleotide exchange factor 1; minus strand). Cytogenetic location: 2p22.1.
Variant type: single nucleotide variant.
Coding change: c.651G>T on transcript NM_005633.4 (MANE Select); coding-DNA position 651, G replaced by T.
Protein change: p.Arg217Ser; replaces arginine 217 with serine.
Molecular consequence: missense variant.
Genome position (GRCh38, 1-based): chr2:39,054,683, C>A on the plus strand (G>T on the coding strand, the complement: SOS1 is on the minus strand). VCF-style: chr2-39054683-C-A. GRCh37 (hg19) VCF-style: chr2-39281824-C-A.
Other names: c.630G>T, p.Arg210Ser (NM_001382394.1); c.651G>T, p.Arg217Ser (NM_001382395.1); short protein forms R210S, R217S.
Identifiers: ClinVar variation 1708841 (VCV001708841.3), dbSNP rs2465346956, ClinGen allele CA346373052.

ClinVar aggregate classification (germline): Uncertain significance (1 of 4 stars; one submission).

Submission:

GeneDx
Classification: Uncertain significance. Last evaluated: 2024-09-07. Review status: criteria provided, single submitter. Criteria: GeneDx Variant Classification Process June 2021. Collection method: clinical testing. Allele origin: germline. Affected: yes.
Comment: Not observed at significant frequency in large population cohorts (gnomAD); Missense variants in this gene are often considered pathogenic (HGMD); In silico analysis supports that this missense variant has a deleterious effect on protein structure/function; Has not been previously published as pathogenic or benign to our knowledge; This variant is associated with the following publications: (PMID: 29493581)